The following is an entry in ClinVar:

NM_019892.6(INPP5E):c.1795C>T (p.Arg599Ter)

Gene: INPP5E (inositol polyphosphate-5-phosphatase E; minus strand). Cytogenetic location: 9q34.3.
Variant type: single nucleotide variant.
Coding change: c.1795C>T on transcript NM_019892.6 (MANE Select); coding-DNA position 1795, C replaced by T.
Protein change: p.Arg599Ter; replaces arginine 599 with a stop codon.
Molecular consequence: nonsense.
Genome position (GRCh38, 1-based): chr9:136,430,284, G>A on the plus strand (C>T on the coding strand, the complement: INPP5E is on the minus strand). VCF-style: chr9-136430284-G-A. GRCh37 (hg19) VCF-style: chr9-139324736-G-A.
Other names: c.1795C>T (NM_019892.5); c.1792C>T, p.Arg598Ter (NM_001318502.2); short protein forms R598*, R599*.
Identifiers: ClinVar variation 1075353 (VCV001075353.11), dbSNP rs1191043398, ClinGen allele CA375561097.
Genomic context (GRCh38, chr9:136,430,284, plus strand): 5'-ACGACGGCACGACCCCCAGGCCCAAGGGGGAAGGTGAGCGGGAGAACACTGACTTGTCTC[G>A]CCCCGGCCTCACTTTCACCCGGAAGAGGCCATACACAGGGCGGTGGTCGGACGTCTTGAT-3'

ClinVar aggregate classification (germline): Pathogenic. Review status: criteria provided, single submitter (1 of 4 stars). 2 submissions from 2 submitters: Pathogenic (1). 1 of the submissions does not count toward it. Last evaluated 2023-09-15.

Conditions:
INPP5E-related disorder. Also called: INPP5E-related condition.
Joubert syndrome. Also called: Familial aplasia of the vermis; CEREBELLOPARENCHYMAL DISORDER IV; JOUBERT-BOLTSHAUSER SYNDROME. Identifiers: Orphanet 475, MedGen C5979921, MONDO:0018772.

Submissions (2):

Labcorp Genetics (formerly Invitae), Labcorp
Classification: Pathogenic for Joubert syndrome. Last evaluated: 2023-09-15. Review status: criteria provided, single submitter. Criteria: Invitae Variant Classification Sherloc (09022015). Collection method: clinical testing. Allele origin: germline.
Comment: For these reasons, this variant has been classified as Pathogenic. This variant disrupts a region of the INPP5E protein in which other variant(s) (p.Gln627*) have been determined to be pathogenic (PMID: 19668215). This suggests that this is a clinically significant region of the protein, and that variants that disrupt it are likely to be disease-causing. Algorithms developed to predict the effect of sequence changes on RNA splicing suggest that this variant may create or strengthen a splice site. ClinVar contains an entry for this variant (Variation ID: 1075353). This variant has not been reported in the literature in individuals affected with INPP5E-related conditions. This variant is present in population databases (no rsID available, gnomAD 0.007%). This sequence change creates a premature translational stop signal (p.Arg599*) in the INPP5E gene. While this is not anticipated to result in nonsense mediated decay, it is expected to disrupt the last 46 amino acid(s) of the INPP5E protein.

PreventionGenetics, part of Exact Sciences
Classification: Likely pathogenic for INPP5E-related condition. Last evaluated: 2024-08-03. Review status: no assertion criteria provided. Collection method: clinical testing. Allele origin: germline. Not counted in ClinVar's aggregate classification.
Comment: The INPP5E c.1795C>T variant is predicted to result in premature protein termination (p.Arg599*). This variant was reported in an individual with Joubert syndrome (Hanany et al 2020. PubMed ID: 31964843). This variant is reported in 0.0065% of alleles in individuals of European (Non-Finnish) descent in gnomAD. Nonsense variants in INPP5E are expected to be pathogenic. This variant is interpreted as likely pathogenic.

Literature cited by the submitters: PubMed 19668215 (cited by Labcorp Genetics (formerly Invitae), Labcorp).